The following is an entry in ClinVar:

NM_005334.3(HCFC1):c.1361C>T (p.Ala454Val)

Gene: HCFC1 (host cell factor C1; minus strand). Cytogenetic location: Xq28.
Variant type: single nucleotide variant.
Coding change: c.1361C>T on transcript NM_005334.3 (MANE Select); coding-DNA position 1361, C replaced by T.
Protein change: p.Ala454Val; replaces alanine 454 with valine.
Molecular consequence: missense variant.
Genome position (GRCh38, 1-based): chrX:153,959,885, G>A on the plus strand (C>T on the coding strand, the complement: HCFC1 is on the minus strand). VCF-style: chrX-153959885-G-A. GRCh37 (hg19) VCF-style: chrX-153225336-G-A.
Other names: c.1361C>T, p.Ala454Val (NM_001410705.1, NM_001440843.1, NM_001440844.1 and 7 more transcripts); short protein forms A454V.
Identifiers: ClinVar variation 4621353 (VCV004621353.2).

ClinVar aggregate classification (germline): Uncertain significance. Review status: criteria provided, multiple submitters, no conflicts (2 of 4 stars). 2 submissions from 2 submitters: Uncertain significance (2). Last evaluated 2026-04-08.

Conditions:
HCFC1-related disorder. Also called: HCFC1-related condition.
Inborn genetic diseases. Identifiers: MedGen C0950123, MeSH D030342.

Submissions (2):

PreventionGenetics, part of Exact Sciences
Classification: Uncertain significance for HCFC1-related condition. Last evaluated: 2026-04-08. Review status: criteria provided, single submitter. Criteria: ACMG Guidelines, 2015. Collection method: clinical testing. Allele origin: germline.
Comment: The HCFC1 c.1361C>T variant is predicted to result in the amino acid substitution p.Ala454Val. To our knowledge, this variant has not been reported in the literature. This variant is absent in a large population database (gnomAD), indicating this variant is rare. At this time, the clinical significance of this variant is uncertain due to the absence of conclusive functional and genetic evidence.

Ambry Genetics
Classification: Uncertain significance for Inborn genetic diseases. Last evaluated: 2025-11-08. Review status: criteria provided, single submitter. Criteria: Ambry Variant Classification Scheme 2023. Collection method: clinical testing. Allele origin: germline.